The following is an entry in ClinVar:

NM_000465.4(BARD1):c.310A>C (p.Met104Leu)

Gene: BARD1 (BRCA1 associated RING domain 1; minus strand). Cytogenetic location: 2q35.
Variant type: single nucleotide variant.
Coding change: c.310A>C on transcript NM_000465.4 (MANE Select); coding-DNA position 310, A replaced by C.
Protein change: p.Met104Leu; replaces methionine 104 with leucine.
Molecular consequence: missense variant. On other transcripts: non-coding transcript variant (1), intron variant (2).
Genome position (GRCh38, 1-based): chr2:214,792,351, T>G on the plus strand (A>C on the coding strand, the complement: BARD1 is on the minus strand). VCF-style: chr2-214792351-T-G. GRCh37 (hg19) VCF-style: chr2-215657075-T-G.
Other names: c.253A>C, p.Met85Leu (NM_001282543.2); c.310A>C, p.Met104Leu (NM_001282549.2); c.158+17061A>C (NM_001282548.2); c.215+4710A>C (NM_001282545.2); short protein forms M104L, M85L.
Identifiers: ClinVar variation 3820820 (VCV003820820.1).

ClinVar aggregate classification (germline): Uncertain significance (1 of 4 stars; one submission).

Conditions:
Hereditary cancer-predisposing syndrome. Also called: Hereditary neoplastic syndrome; Neoplastic Syndromes, Hereditary; Tumor predisposition; Hereditary Cancer Syndrome. Identifiers: Orphanet 140162, MedGen C0027672, MeSH D009386, MONDO:0015356.

Submission:

Ambry Genetics
Classification: Uncertain significance for Hereditary cancer-predisposing syndrome. Last evaluated: 2025-03-14. Review status: criteria provided, single submitter. Criteria: Ambry Variant Classification Scheme 2023. Collection method: clinical testing. Allele origin: germline.
Comment: The p.M104L variant (also known as c.310A>C), located in coding exon 3 of the BARD1 gene, results from an A to C substitution at nucleotide position 310. The methionine at codon 104 is replaced by leucine, an amino acid with highly similar properties. This amino acid position is conserved. In addition, this alteration is predicted to be tolerated by in silico analysis. Based on the available evidence, the clinical significance of this variant remains unclear.